The following is an entry in ClinVar:

ClinVar aggregate classification (germline): Uncertain significance (1 of 4 stars; one submission).

Submission:

Labcorp Genetics (formerly Invitae), Labcorp
Classification: Uncertain significance. Last evaluated: 2022-03-09. Review status: criteria provided, single submitter. Criteria: Invitae Variant Classification Sherloc (09022015). Collection method: clinical testing. Allele origin: germline.
Comment: In summary, the available evidence is currently insufficient to determine the role of this variant in disease. Therefore, it has been classified as a Variant of Uncertain Significance. Algorithms developed to predict the effect of missense changes on protein structure and function (SIFT, PolyPhen-2, Align-GVGD) all suggest that this variant is likely to be disruptive. This variant has not been reported in the literature in individuals affected with FBLN5-related conditions. This variant is not present in population databases (gnomAD no frequency). This sequence change replaces glycine, which is neutral and non-polar, with arginine, which is basic and polar, at codon 149 of the FBLN5 protein (p.Gly149Arg).

NM_006329.4(FBLN5):c.445G>C (p.Gly149Arg)

Gene: FBLN5 (fibulin 5; minus strand). Cytogenetic location: 14q32.12.
Variant type: single nucleotide variant.
Coding change: c.445G>C on transcript NM_006329.4 (MANE Select); coding-DNA position 445, G replaced by C.
Protein change: p.Gly149Arg; replaces glycine 149 with arginine.
Molecular consequence: missense variant.
Genome position (GRCh38, 1-based): chr14:91,895,007, C>G on the plus strand (G>C on the coding strand, the complement: FBLN5 is on the minus strand). VCF-style: chr14-91895007-C-G. GRCh37 (hg19) VCF-style: chr14-92361351-C-G.
Other names: c.568G>C, p.Gly190Arg (NM_001384158.1); c.496G>C, p.Gly166Arg (NM_001384159.1); c.445G>C, p.Gly149Arg (NM_001384160.1); c.277G>C, p.Gly93Arg (NM_001384161.1, NM_001384162.1); short protein forms G149R, G190R, G166R, G93R.
Identifiers: ClinVar variation 1482074 (VCV001482074.6), dbSNP rs2139982884, ClinGen allele CA390643201.
Genomic context (GRCh38, chr14:91,895,007, plus strand): 5'-TACCTAAGCACTGGCCTTCCAGAAGCCAATATCCGTCGGTGCAGGAGCAGGTGTACCCGC[C>G]TTCAGTATTGATGCAGATCTGGGTGGGGTTGCACTGGTGGGAATCTGTTGCACACTCGTC-3'
Protein context (NP_006320.2, residues 139-159): NPTQICINTE[Gly149Arg]GYTCSCTDGY